The following is an entry in ClinVar:

ClinVar aggregate classification (germline): Uncertain significance (1 of 4 stars; one submission).

Submission:

GeneDx
Classification: Uncertain significance. Last evaluated: 2025-03-16. Review status: criteria provided, single submitter. Criteria: GeneDx Variant Classification Process June 2021. Collection method: clinical testing. Allele origin: germline. Affected: yes.
Comment: Not observed at significant frequency in large population cohorts (gnomAD); In silico analysis supports that this missense variant has a deleterious effect on protein structure/function; Has not been previously published as pathogenic or benign to our knowledge

NM_004415.4(DSP):c.6530C>G (p.Thr2177Ser)

Gene: DSP (desmoplakin; plus strand). Cytogenetic location: 6p24.3.
Variant type: single nucleotide variant.
Coding change: c.6530C>G on transcript NM_004415.4 (MANE Select); coding-DNA position 6530, C replaced by G.
Protein change: p.Thr2177Ser; replaces threonine 2177 with serine.
Molecular consequence: missense variant.
Genome position (GRCh38, 1-based): chr6:7,583,792, C>G. VCF-style: chr6-7583792-C-G. GRCh37 (hg19) VCF-style: chr6-7584025-C-G.
Other names: c.4733C>G, p.Thr1578Ser (NM_001008844.3); c.5201C>G, p.Thr1734Ser (NM_001319034.2); short protein forms T1578S, T1734S, T2177S.
Identifiers: ClinVar variation 4086534 (VCV004086534.1).